The following is an entry in ClinVar:

ClinVar aggregate classification (germline): Uncertain significance (1 of 4 stars; one submission).

Conditions:
Bardet-Biedl syndrome (BBS). Identifiers: Orphanet 110, MedGen C0752166, MONDO:0015229.

Submission:

Labcorp Genetics (formerly Invitae), Labcorp
Classification: Uncertain significance for Bardet-Biedl syndrome. Last evaluated: 2022-04-04. Review status: criteria provided, single submitter. Criteria: Invitae Variant Classification Sherloc (09022015). Collection method: clinical testing. Allele origin: germline.
Comment: In summary, the available evidence is currently insufficient to determine the role of this variant in disease. Therefore, it has been classified as a Variant of Uncertain Significance. Variants that disrupt the consensus splice site are a relatively common cause of aberrant splicing (PMID: 17576681, 9536098). Algorithms developed to predict the effect of sequence changes on RNA splicing suggest that this variant is not likely to affect RNA splicing. This variant has not been reported in the literature in individuals affected with BBS2-related conditions. This variant is not present in population databases (gnomAD no frequency). This sequence change falls in intron 4 of the BBS2 gene. It does not directly change the encoded amino acid sequence of the BBS2 protein. It affects a nucleotide within the consensus splice site.

Literature cited by the submitters: PubMed 17576681; PubMed 9536098.

NM_031885.5(BBS2):c.534+5G>T

Gene: BBS2 (Bardet-Biedl syndrome 2; minus strand). Cytogenetic location: 16q13.
Variant type: single nucleotide variant.
Coding change: c.534+5G>T on transcript NM_031885.5 (MANE Select); 5 bases into the intron after coding-DNA position 534, G replaced by T.
Molecular consequence: intron variant.
Genome position (GRCh38, 1-based): chr16:56,510,854, C>A on the plus strand (G>T on the coding strand, the complement: BBS2 is on the minus strand). VCF-style: chr16-56510854-C-A. GRCh37 (hg19) VCF-style: chr16-56544766-C-A.
Other names: c.534+5G>T (NM_001377456.1).
Identifiers: ClinVar variation 2121522 (VCV002121522.4), dbSNP rs2543732080, ClinGen allele CA2580091638.